The following is an entry in ClinVar:

ClinVar aggregate classification (germline): Uncertain significance (1 of 4 stars; one submission).

Conditions:
Inborn genetic diseases. Identifiers: MedGen C0950123, MeSH D030342.

Submission:

Ambry Genetics
Classification: Uncertain significance for Inborn genetic diseases. Last evaluated: 2024-08-05. Review status: criteria provided, single submitter. Criteria: Ambry Variant Classification Scheme 2023. Collection method: clinical testing. Allele origin: germline.
Comment: The p.N1333S variant (also known as c.3998A>G), located in coding exon 29 of the LRRK2 gene, results from an A to G substitution at nucleotide position 3998. The asparagine at codon 1333 is replaced by serine, an amino acid with highly similar properties. This amino acid position is conserved. In addition, this alteration is predicted to be tolerated by in silico analysis. Based on the available evidence, the clinical significance of this variant remains unclear.

NM_198578.4(LRRK2):c.3998A>G (p.Asn1333Ser)

Gene: LRRK2 (leucine rich repeat kinase 2; plus strand). Cytogenetic location: 12q12.
Variant type: single nucleotide variant.
Coding change: c.3998A>G on transcript NM_198578.4 (MANE Select); coding-DNA position 3998, A replaced by G.
Protein change: p.Asn1333Ser; replaces asparagine 1333 with serine.
Molecular consequence: missense variant.
Genome position (GRCh38, 1-based): chr12:40,308,505, A>G. VCF-style: chr12-40308505-A-G. GRCh37 (hg19) VCF-style: chr12-40702307-A-G.
Other names: short protein forms N1333S.
Identifiers: ClinVar variation 3540608 (VCV003540608.1).